The following is an entry in ClinVar:

ClinVar aggregate classification (germline): Uncertain significance (1 of 4 stars; one submission).

Conditions:
Adams-Oliver syndrome 2 (AOS2). Identifiers: Orphanet 974, MedGen C3280182, MONDO:0013635, OMIM 614219.

Allele frequency attached by ClinVar (database versions not stated): gnomAD exomes below 0.00001; ExAC 0.00001.
gnomAD v4.1: 2 of 1,611,412 alleles (0.00012%); highest among the groups gnomAD compares: South Asian, 0.0022%; no homozygotes.

Submission:

Neuberg Centre For Genomic Medicine, NCGM
Classification: Uncertain significance for Adams-Oliver syndrome 2. Last evaluated: 2023-02-14. Review status: criteria provided, single submitter. Criteria: ACMG Guidelines, 2015. Collection method: clinical testing. Allele origin: germline. Inheritance: Autosomal recessive inheritance. Affected: yes.
Comment: The splice region synonymous c.804C>T(p.Leu268) variant in DOCK6 gene has not been reported previously as a pathogenic variant nor a benign variant, to our knowledge. The p.Leu268 variant has been reported with allele frequency of 0.0004% in gnomAD Exomes and is novel (not in any individuals) in 1000 Genomes. This variant has not been reported to the ClinVar database. This variant lies in the splice region and splice AI predicts a donor loss (0.01). Hence, additional functional studies will be required to prove the pathogenicity of this variant. For these reasons, this variant has been classified as a Variant of Uncertain Significance (VUS).

NM_020812.4(DOCK6):c.804C>T (p.Leu268=)

Gene: DOCK6 (dedicator of cytokinesis 6; minus strand). Cytogenetic location: 19p13.2.
Variant type: single nucleotide variant.
Coding change: c.804C>T on transcript NM_020812.4 (MANE Select); coding-DNA position 804, C replaced by T.
Protein change: p.Leu268=; no amino-acid change (leucine 268 retained).
Molecular consequence: synonymous variant.
Genome position (GRCh38, 1-based): chr19:11,248,068, G>A on the plus strand (C>T on the coding strand, the complement: DOCK6 is on the minus strand). VCF-style: chr19-11248068-G-A. GRCh37 (hg19) VCF-style: chr19-11358744-G-A.
Other names: c.804C>T, p.Leu268= (NM_001367830.1).
Identifiers: ClinVar variation 2671790 (VCV002671790.1), dbSNP rs775358833, ClinGen allele CA9208343.